The following is an entry in ClinVar:

ClinVar aggregate classification (germline): Uncertain significance (1 of 4 stars; one submission).

Submission:

GeneDx
Classification: Uncertain significance. Last evaluated: 2022-10-03. Review status: criteria provided, single submitter. Criteria: GeneDx Variant Classification Process June 2021. Collection method: clinical testing. Allele origin: germline. Affected: yes.
Comment: Not observed at significant frequency in large population cohorts (gnomAD); In silico analysis supports that this missense variant has a deleterious effect on protein structure/function; Has not been previously published as pathogenic or benign to our knowledge

NM_033109.5(PNPT1):c.2105T>C (p.Met702Thr)

Gene: PNPT1 (polyribonucleotide nucleotidyltransferase 1; minus strand). Cytogenetic location: 2p16.1.
Variant type: single nucleotide variant.
Coding change: c.2105T>C on transcript NM_033109.5 (MANE Select); coding-DNA position 2105, T replaced by C.
Protein change: p.Met702Thr; replaces methionine 702 with threonine.
Molecular consequence: missense variant.
Genome position (GRCh38, 1-based): chr2:55,640,670, A>G on the plus strand (T>C on the coding strand, the complement: PNPT1 is on the minus strand). VCF-style: chr2-55640670-A-G. GRCh37 (hg19) VCF-style: chr2-55867805-A-G.
Other names: short protein forms M702T.
Identifiers: ClinVar variation 2446494 (VCV002446494.1), dbSNP rs2529468701, ClinGen allele CA346923626.
Genomic context (GRCh38, chr2:55,640,670, plus strand): 5'-AACATCTGTCTTTTTACCTTTCGTTGATCAAGTTGTGTGTTATGAAGCAGTACCGCAGTC[A>G]TATTTGGATATAATTTTACCATTACACCAGTATCTCTACAAAAAAATAAATAGTAAGCCT-3'
Protein context (NP_149100.2, residues 692-712): TGVMVKLYPN[Met702Thr]TAVLLHNTQL